The following is an entry in ClinVar:

ClinVar aggregate classification (germline): Uncertain significance (1 of 4 stars; one submission).

Submission:

GeneDx
Classification: Uncertain significance. Last evaluated: 2014-02-15. Review status: criteria provided, single submitter. Criteria: GeneDx Variant Classification (06012015). Collection method: clinical testing. Allele origin: germline. Affected: yes.
Comment: This variant is denoted BRIP1 c.2857A>C at the cDNA level, p.Thr953Pro (T953P) at the protein level, and results in the change of a Threonine to a Proline (ACC>CCC). This variant has not, to our knowledge, been published in the literature as pathogenic or benign. BRIP1 Thr953Pro was not observed in approximately 6,500 individuals of European and African American ancestry in the NHLBI Exome Sequencing Project, indicating it is not a common benign variant in these populations. This variant is a non-conservative substitution in which a neutral polar amino acid is replaced with a neutral non-polar one, altering a position that is variable throughout evolution and is located in the BRCA1 binding domain (UniProt). In silico analyses predict this variant to have a benign effect on protein structure and function. Based on currently available information, it is unclear whether BRIP1 Thr953Pro is pathogenic or benign. We consider it to be a variant of uncertain significance. Furthermore, BRIP1 has been only recently described in association with cancer predisposition and the risks are not well understood.

NM_032043.3(BRIP1):c.2857A>C (p.Thr953Pro)

Gene: BRIP1 (BRCA1 interacting helicase 1; minus strand). Cytogenetic location: 17q23.2.
Variant type: single nucleotide variant.
Coding change: c.2857A>C on transcript NM_032043.3 (MANE Select); coding-DNA position 2857, A replaced by C.
Protein change: p.Thr953Pro; replaces threonine 953 with proline.
Molecular consequence: missense variant.
Genome position (GRCh38, 1-based): chr17:61,685,884, T>G on the plus strand (A>C on the coding strand, the complement: BRIP1 is on the minus strand). VCF-style: chr17-61685884-T-G. GRCh37 (hg19) VCF-style: chr17-59763245-T-G.
Other names: p.T953P:ACC>CCC; short protein forms T953P.
Identifiers: ClinVar variation 128181 (VCV000128181.2), dbSNP rs587780245, ClinGen allele CA288573.